The following is an entry in ClinVar:

NM_005670.4(EPM2A):c.323G>A (p.Arg108His)

Gene: EPM2A (EPM2A glucan phosphatase, laforin; minus strand). Cytogenetic location: 6q24.3.
Variant type: single nucleotide variant.
Coding change: c.323G>A on transcript NM_005670.4 (MANE Select); coding-DNA position 323, G replaced by A.
Protein change: p.Arg108His; replaces arginine 108 with histidine.
Molecular consequence: missense variant. On other transcripts: 5 prime UTR variant (5), non-coding transcript variant (1).
Genome position (GRCh38, 1-based): chr6:145,686,275, C>T on the plus strand (G>A on the coding strand, the complement: EPM2A is on the minus strand). VCF-style: chr6-145686275-C-T. GRCh37 (hg19) VCF-style: chr6-146007411-C-T.
Other names: c.323G>A, p.Arg108His (NM_001018041.2, NM_001360057.2, NM_001368130.1); c.-92G>A (NM_001360064.2, NM_001360071.2, NM_001368131.1); c.-301G>A (NM_001368129.2, NM_001368132.1); short protein forms R108H.
Identifiers: ClinVar variation 531802 (VCV000531802.9), dbSNP rs202234583, ClinGen allele CA149189427.

ClinVar aggregate classification (germline): Uncertain significance. Review status: criteria provided, multiple submitters, no conflicts (2 of 4 stars). 2 submissions from 2 submitters: Uncertain significance (2). Last evaluated 2022-12-27.

Conditions:
Progressive myoclonic epilepsy. Also called: Familial progressive myoclonic epilepsy; Myoclonus epilepsy; Progressive myoclonus epilepsy; Myoclonic Epilepsies, Progressive. Identifiers: Orphanet 308, Orphanet 98261, MedGen C0751778, MONDO:0020074.

Allele frequency attached by ClinVar (database versions not stated): gnomAD 0.00001; gnomAD exomes 0.00001; TOPMed 0.00002.
gnomAD v4.1: 9 of 1,613,524 alleles (0.00056%); highest among the groups gnomAD compares: Admixed American, 0.0033%; no homozygotes.

Submissions (2):

GeneDx
Classification: Uncertain significance. Last evaluated: 2022-12-27. Review status: criteria provided, single submitter. Criteria: GeneDx Variant Classification Process June 2021. Collection method: clinical testing. Allele origin: germline. Affected: yes.
Comment: Not observed at significant frequency in large population cohorts (gnomAD); In silico analysis supports that this missense variant does not alter protein structure/function; Has not been previously published as pathogenic or benign to our knowledge; This variant is associated with the following publications: (PMID: 27149842)

Labcorp Genetics (formerly Invitae), Labcorp
Classification: Uncertain significance for Progressive myoclonic epilepsy. Last evaluated: 2022-05-06. Review status: criteria provided, single submitter. Criteria: Invitae Variant Classification Sherloc (09022015). Collection method: clinical testing. Allele origin: germline.
Comment: This sequence change replaces arginine, which is basic and polar, with histidine, which is basic and polar, at codon 108 of the EPM2A protein (p.Arg108His). This variant is not present in population databases (gnomAD no frequency). This variant has not been reported in the literature in individuals affected with EPM2A-related conditions. ClinVar contains an entry for this variant (Variation ID: 531802). Algorithms developed to predict the effect of missense changes on protein structure and function are either unavailable or do not agree on the potential impact of this missense change (SIFT: "Deleterious"; PolyPhen-2: "Probably Damaging"; Align-GVGD: "Class C0"). This variant disrupts the p.Arg108 amino acid residue in EPM2A. Other variant(s) that disrupt this residue have been determined to be pathogenic (PMID: 9771710, 11175283). This suggests that this residue is clinically significant, and that variants that disrupt this residue are likely to be disease-causing. In summary, the available evidence is currently insufficient to determine the role of this variant in disease. Therefore, it has been classified as a Variant of Uncertain Significance.

Literature cited by the submitters: PubMed 9771710 (cited by Labcorp Genetics (formerly Invitae), Labcorp); PubMed 11175283 (cited by Labcorp Genetics (formerly Invitae), Labcorp).